The following is an entry in ClinVar:

ClinVar aggregate classification (germline): Uncertain significance (1 of 4 stars; one submission).

Conditions:
Growth hormone insensitivity with immune dysregulation 1, autosomal recessive. Also called: GROWTH HORMONE INSENSITIVITY SYNDROME WITH IMMUNE DYSREGULATION 1, AUTOSOMAL RECESSIVE; GROWTH HORMONE INSENSITIVITY DUE TO POSTRECEPTOR DEFECT; LARON SYNDROME DUE TO POSTRECEPTOR DEFECT; Laron syndrome with immunodeficiency. Identifiers: Orphanet 220465, MedGen C5435698, MONDO:0100211, OMIM 245590.

gnomAD v4.1: 1 of 1,614,128 alleles (0.000062%); highest among the groups gnomAD compares: African/African-American, 0.0013%; no homozygotes.

Submission:

Labcorp Genetics (formerly Invitae), Labcorp
Classification: Uncertain significance for Growth hormone insensitivity with immune dysregulation 1, autosomal recessive. Last evaluated: 2024-02-27. Review status: criteria provided, single submitter. Criteria: Invitae Variant Classification Sherloc (09022015). Collection method: clinical testing. Allele origin: germline.
Comment: This sequence change replaces valine, which is neutral and non-polar, with isoleucine, which is neutral and non-polar, at codon 696 of the STAT5B protein (p.Val696Ile). This variant is present in population databases (rs779977175, gnomAD 0.007%). This variant has not been reported in the literature in individuals affected with STAT5B-related conditions. Advanced modeling of protein sequence and biophysical properties (such as structural, functional, and spatial information, amino acid conservation, physicochemical variation, residue mobility, and thermodynamic stability) performed at Invitae indicates that this missense variant is not expected to disrupt STAT5B protein function with a negative predictive value of 80%. In summary, the available evidence is currently insufficient to determine the role of this variant in disease. Therefore, it has been classified as a Variant of Uncertain Significance.

NM_012448.4(STAT5B):c.2086G>A (p.Val696Ile)

Gene: STAT5B (signal transducer and activator of transcription 5B; minus strand). Cytogenetic location: 17q21.2.
Variant type: single nucleotide variant.
Coding change: c.2086G>A on transcript NM_012448.4 (MANE Select); coding-DNA position 2086, G replaced by A.
Protein change: p.Val696Ile; replaces valine 696 with isoleucine.
Molecular consequence: missense variant.
Genome position (GRCh38, 1-based): chr17:42,202,800, C>T on the plus strand (G>A on the coding strand, the complement: STAT5B is on the minus strand). VCF-style: chr17-42202800-C-T. GRCh37 (hg19) VCF-style: chr17-40354818-C-T.
Other names: short protein forms V696I.
Identifiers: ClinVar variation 3673462 (VCV003673462.2).
Genomic context (GRCh38, chr17:42,202,800, plus strand): 5'-GCCACCTGGACACTTACTCAGGGACCACTTGCTTGATCTGTGGCTTCACGTATCCATCAA[C>T]AGCTTTAGCTGCCAAGGGAAGAATGTAGTAAATCAAAGTTCTCAAGTGAAACAAAAATGT-3'
Protein context (NP_036580.2, residues 686-706): VPCESATAKA[Val696Ile]DGYVKPQIKQ